The following is an entry in ClinVar:

ClinVar aggregate classification (germline): Uncertain significance. Review status: criteria provided, multiple submitters, no conflicts (2 of 4 stars). 2 submissions from 2 submitters: Uncertain significance (2). Last evaluated 2023-06-05.

Conditions:
Inborn genetic diseases. Identifiers: MedGen C0950123, MeSH D030342.

Submissions (2):

Labcorp Genetics (formerly Invitae), Labcorp
Classification: Uncertain significance. Last evaluated: 2023-06-05. Review status: criteria provided, single submitter. Criteria: Invitae Variant Classification Sherloc (09022015). Collection method: clinical testing. Allele origin: germline.
Comment: In summary, the available evidence is currently insufficient to determine the role of this variant in disease. Therefore, it has been classified as a Variant of Uncertain Significance. An algorithm developed to predict the effect of missense changes on protein structure and function (PolyPhen-2) suggests that this variant is likely to be disruptive. ClinVar contains an entry for this variant (Variation ID: 2306369). This variant has not been reported in the literature in individuals affected with FOXA2-related conditions. This variant is present in population databases (no rsID available, gnomAD 0.03%). This sequence change replaces methionine, which is neutral and non-polar, with isoleucine, which is neutral and non-polar, at codon 108 of the FOXA2 protein (p.Met108Ile).

Ambry Genetics
Classification: Uncertain significance for Inborn genetic diseases. Last evaluated: 2022-08-11. Review status: criteria provided, single submitter. Criteria: Ambry Variant Classification Scheme 2023. Collection method: clinical testing. Allele origin: germline.

NM_021784.5(FOXA2):c.324G>A (p.Met108Ile)

Gene: FOXA2 (forkhead box A2; minus strand). Cytogenetic location: 20p11.21.
Variant type: single nucleotide variant.
Coding change: c.324G>A on transcript NM_021784.5 (MANE Select); coding-DNA position 324, G replaced by A.
Protein change: p.Met108Ile; replaces methionine 108 with isoleucine.
Molecular consequence: missense variant.
Genome position (GRCh38, 1-based): chr20:22,582,918, C>T on the plus strand (G>A on the coding strand, the complement: FOXA2 is on the minus strand). VCF-style: chr20-22582918-C-T. GRCh37 (hg19) VCF-style: chr20-22563556-C-T.
Other names: c.306G>A, p.Met102Ile (NM_153675.3); short protein forms M102I, M108I.
Identifiers: ClinVar variation 2306369 (VCV002306369.5), dbSNP rs1310168585, ClinGen allele CA408502769.